The following is an entry in ClinVar:

NM_000836.4(GRIN2D):c.3926C>T (p.Thr1309Ile)

Gene: GRIN2D (glutamate ionotropic receptor NMDA type subunit 2D; plus strand). Cytogenetic location: 19q13.33.
Variant type: single nucleotide variant.
Coding change: c.3926C>T on transcript NM_000836.4 (MANE Select); coding-DNA position 3926, C replaced by T.
Protein change: p.Thr1309Ile; replaces threonine 1309 with isoleucine.
Molecular consequence: missense variant.
Genome position (GRCh38, 1-based): chr19:48,443,852, C>T. VCF-style: chr19-48443852-C-T. GRCh37 (hg19) VCF-style: chr19-48947109-C-T.
Other names: short protein forms T1309I.
Identifiers: ClinVar variation 3671915 (VCV003671915.2).
Genomic context (GRCh38, chr19:48,443,852, plus strand): 5'-GGCCCTCCCGCCACGCTCGCAGGTGTCCGCACGCCGCGCACTGGGGGCCGCCGCTGCCCA[C>T]AGCTTCCCACCGGAGACACCGGGGCGGGGACCTGGGCACCCGCAGGGGCTCGGCGCACTT-3'
Protein context (NP_000827.2, residues 1299-1319): HAAHWGPPLP[Thr1309Ile]ASHRRHRGGD

ClinVar aggregate classification (germline): Uncertain significance (1 of 4 stars; one submission).

gnomAD v4.1: 3 of 1,485,364 alleles (0.0002%); highest among the groups gnomAD compares: Non-Finnish European, 0.00027%; no homozygotes.

Submission:

Labcorp Genetics (formerly Invitae), Labcorp
Classification: Uncertain significance. Last evaluated: 2025-01-12. Review status: criteria provided, single submitter. Criteria: Invitae Variant Classification Sherloc (09022015). Collection method: clinical testing. Allele origin: germline.
Comment: This sequence change replaces threonine, which is neutral and polar, with isoleucine, which is neutral and non-polar, at codon 1309 of the GRIN2D protein (p.Thr1309Ile). This variant is not present in population databases (gnomAD no frequency). This variant has not been reported in the literature in individuals affected with GRIN2D-related conditions. Invitae Evidence Modeling of protein sequence and biophysical properties (such as structural, functional, and spatial information, amino acid conservation, physicochemical variation, residue mobility, and thermodynamic stability) indicates that this missense variant is not expected to disrupt GRIN2D protein function with a negative predictive value of 95%. In summary, the available evidence is currently insufficient to determine the role of this variant in disease. Therefore, it has been classified as a Variant of Uncertain Significance.